The following is an entry in ClinVar:

NM_033004.4(NLRP1):c.2170G>A (p.Glu724Lys)

Gene: NLRP1 (NLR family pyrin domain containing 1; minus strand). Cytogenetic location: 17p13.2.
Variant type: single nucleotide variant.
Coding change: c.2170G>A on transcript NM_033004.4 (MANE Select); coding-DNA position 2170, G replaced by A.
Protein change: p.Glu724Lys; replaces glutamic acid 724 with lysine.
Molecular consequence: missense variant.
Genome position (GRCh38, 1-based): chr17:5,558,526, C>T on the plus strand (G>A on the coding strand, the complement: NLRP1 is on the minus strand). VCF-style: chr17-5558526-C-T. GRCh37 (hg19) VCF-style: chr17-5461846-C-T.
Other names: c.2170G>A, p.Glu724Lys (NM_001033053.3, NM_014922.5, NM_033006.4 and 1 more transcripts); short protein forms E724K.
Identifiers: ClinVar variation 931045 (VCV000931045.3), dbSNP rs1347045059, ClinGen allele CA397382939.
Genomic context (GRCh38, chr17:5,558,526, plus strand): 5'-ACATGCCCATTTCTTCGAAATGGGCCATCACTTGTGTCAGGAACGTTTTGTTCCGAGTCT[C>T]GTACAAGCAGTGGAGGGACTCCAGAGAGTGTGGCTGCAGCAGCAGCTGCAGGGACGGGAC-3'
Protein context (NP_127497.1, residues 714-734): HSLESLHCLY[Glu724Lys]TRNKTFLTQV

ClinVar aggregate classification (germline): Uncertain significance (1 of 4 stars; one submission).

Conditions:
Autoinflammation with arthritis and dyskeratosis (AIADK). Identifiers: MedGen C4479278, MONDO:0060457, OMIM 617388.

Allele frequency attached by ClinVar (database versions not stated): gnomAD exomes below 0.00001; TOPMed 0.00001 and 0.00003.
gnomAD v4.1: 4 of 1,614,010 alleles (0.00025%); highest among the groups gnomAD compares: Non-Finnish European, 0.00025%; no homozygotes.

Submission:

Centre for Mendelian Genomics, University Medical Centre Ljubljana
Classification: Uncertain significance for Autoinflammation with arthritis and dyskeratosis. Last evaluated: 2019-06-20. Review status: criteria provided, single submitter. Criteria: ACMG Guidelines, 2015. Collection method: clinical testing. Allele origin: unknown. Affected: yes.
Comment: This variant was classified as: Uncertain significance. The available evidence on this variant's pathogenicity is insufficient or conflicting. The following ACMG criteria were applied in classifying this variant: PM2,PP3.